The following is an entry in ClinVar:

NM_002471.4(MYH6):c.3871del (p.Arg1291fs)

Gene: MYH6 (myosin heavy chain 6; minus strand). Cytogenetic location: 14q11.2.
Variant type: Deletion.
Coding change: c.3871del on transcript NM_002471.4 (MANE Select); coding-DNA position 3871, one base deleted (C; older notation c.3871delC).
Protein change: p.Arg1291fs; shifts the reading frame from arginine 1291.
Molecular consequence: frameshift variant.
Genome position (GRCh38, 1-based): chr14:23,389,500, G deleted on the plus strand (C on the coding strand, the reverse complement: MYH6 is on the minus strand); the first of 3 consecutive G bases (chr14:23,389,500-23,389,502); deleting any one gives the same sequence. VCF-style (leftmost placement, unchanged base first): chr14-23389499-CG-C. GRCh37 (hg19) VCF-style: chr14-23858708-CG-C.
Other names: c.3871delC (NM_002471.3); short protein forms R1291fs.
Identifiers: ClinVar variation 4997195 (VCV004997195.1).

ClinVar aggregate classification (germline): Uncertain significance (1 of 4 stars; one submission).

Conditions:
MYH6-related disorder. Also called: MYH6-Related Disorders; MYH6-related condition.

Submission:

PreventionGenetics, part of Exact Sciences
Classification: Uncertain significance for MYH6-related condition. Last evaluated: 2024-12-18. Review status: criteria provided, single submitter. Criteria: ACMG Guidelines, 2015. Collection method: clinical testing. Allele origin: germline.
Comment: The MYH6 c.3871delC variant is predicted to result in a frameshift and premature protein termination (p.Arg1291Glyfs*3). To our knowledge, this variant has not been reported in the literature or in a large population database (gnomAD), indicating this variant is rare. At this time, the clinical significance of this variant is uncertain due to the absence of conclusive functional and genetic evidence.